The following is an entry in ClinVar:

ClinVar aggregate classification (germline): Uncertain significance (1 of 4 stars; one submission).

Allele frequency attached by ClinVar (database versions not stated): gnomAD exomes below 0.00001; gnomAD 0.00001.
gnomAD v4.1: 2 of 1,612,854 alleles (0.00012%); highest among the groups gnomAD compares: African/African-American, 0.0027%; no homozygotes.

Submission:

Labcorp Genetics (formerly Invitae), Labcorp
Classification: Uncertain significance. Last evaluated: 2022-05-16. Review status: criteria provided, single submitter. Criteria: Invitae Variant Classification Sherloc (09022015). Collection method: clinical testing. Allele origin: germline.
Comment: This sequence change replaces glycine, which is neutral and non-polar, with aspartic acid, which is acidic and polar, at codon 333 of the SETD5 protein (p.Gly333Asp). This variant is not present in population databases (gnomAD no frequency). This variant has not been reported in the literature in individuals affected with SETD5-related conditions. Algorithms developed to predict the effect of missense changes on protein structure and function are either unavailable or do not agree on the potential impact of this missense change (SIFT: "Tolerated"; PolyPhen-2: "Possibly Damaging"; Align-GVGD: "Class C0"). In summary, the available evidence is currently insufficient to determine the role of this variant in disease. Therefore, it has been classified as a Variant of Uncertain Significance.

NM_001080517.3(SETD5):c.998G>A (p.Gly333Asp)

Gene: SETD5 (SET domain containing 5; plus strand). Cytogenetic location: 3p25.3.
Variant type: single nucleotide variant.
Coding change: c.998G>A on transcript NM_001080517.3 (MANE Select); coding-DNA position 998, G replaced by A.
Protein change: p.Gly333Asp; replaces glycine 333 with aspartic acid.
Molecular consequence: missense variant.
Genome position (GRCh38, 1-based): chr3:9,442,166, G>A. VCF-style: chr3-9442166-G-A. GRCh37 (hg19) VCF-style: chr3-9483850-G-A.
Other names: c.704G>A, p.Gly235Asp (NM_001292043.2, NM_001349451.2); short protein forms G235D, G333D.
Identifiers: ClinVar variation 1969978 (VCV001969978.5), dbSNP rs2041372515, ClinGen allele CA351689321.